The following is an entry in ClinVar:

NM_198721.4(COL25A1):c.1289A>G (p.Asp430Gly)

Gene: COL25A1 (collagen type XXV alpha 1 chain; minus strand). Cytogenetic location: 4q25.
Variant type: single nucleotide variant.
Coding change: c.1289A>G on transcript NM_198721.4 (MANE Select); coding-DNA position 1289, A replaced by G.
Protein change: p.Asp430Gly; replaces aspartic acid 430 with glycine.
Molecular consequence: missense variant. On other transcripts: non-coding transcript variant (1).
Genome position (GRCh38, 1-based): chr4:108,859,687, T>C on the plus strand (A>G on the coding strand, the complement: COL25A1 is on the minus strand). VCF-style: chr4-108859687-T-C. GRCh37 (hg19) VCF-style: chr4-109780843-T-C.
Other names: c.1232A>G, p.Asp411Gly (NM_001256074.3); c.1289A>G, p.Asp430Gly (NM_032518.4); short protein forms D411G, D430G.
Identifiers: ClinVar variation 767968 (VCV000767968.6), dbSNP rs72897032, ClinGen allele CA3039325.
Genomic context (GRCh38, chr4:108,859,687, plus strand): 5'-GTGTGTCAGGGCAGGGACCAGTCACTTGCCTGTAAGGCTTCGTGGAGGTTGCCGTTGTAG[T>C]CTATGATCTCAGTGGCTCCTTGATCCCCTTTTTGACCAGGTGGACCCTATGACAAAACCA-3'
Protein context (NP_942014.1, residues 420-440): KGDQGATEII[Asp430Gly]YNGNLHEALQ

ClinVar aggregate classification (germline): Benign. Review status: criteria provided, multiple submitters, no conflicts (2 of 4 stars). 3 submissions from 3 submitters: Benign (3). Last evaluated 2025-02-11.

Conditions:
COL25A1-related disorder. Also called: COL25A1-related condition.

Allele frequency attached by ClinVar (database versions not stated): gnomAD exomes 0.00226; ExAC 0.00276; 1000 Genomes Project 0.00938; gnomAD 0.00938 and 0.01014; 1000 Genomes Project 30x 0.00984; ESP Exome Variant Server 0.01023; TOPMed 0.01043.
gnomAD v4.1: 2,744 of 1,613,814 alleles (0.17%); highest among the groups gnomAD compares: African/African-American, 3.3%; 48 homozygotes.

Submissions (3):

PreventionGenetics, part of Exact Sciences
Classification: Benign for COL25A1-related condition. Last evaluated: 2025-02-11. Review status: criteria provided, single submitter. Criteria: ACMG Guidelines, 2015. Collection method: clinical testing. Allele origin: germline.
Comment: This variant is classified as benign based on ACMG/AMP sequence variant interpretation guidelines (Richards et al. 2015 PMID: 25741868, with internal and published modifications).

Labcorp Genetics (formerly Invitae), Labcorp
Classification: Benign. Last evaluated: 2019-12-31. Review status: criteria provided, single submitter. Criteria: Invitae Variant Classification Sherloc (09022015). Collection method: clinical testing. Allele origin: germline.

Breakthrough Genomics
Classification: Benign. Review status: criteria provided, single submitter. Criteria: ACMG Guidelines, 2015. Collection method: not provided. Allele origin: germline. Inheritance: Autosomal recessive inheritance. Affected: yes.